The following is an entry in ClinVar:

NM_002972.4(SBF1):c.3397C>T (p.Leu1133Phe)

Gene: SBF1 (SET binding factor 1; minus strand). Cytogenetic location: 22q13.33.
Variant type: single nucleotide variant.
Coding change: c.3397C>T on transcript NM_002972.4 (MANE Select); coding-DNA position 3397, C replaced by T.
Protein change: p.Leu1133Phe; replaces leucine 1133 with phenylalanine.
Molecular consequence: missense variant.
Genome position (GRCh38, 1-based): chr22:50,460,046, G>A on the plus strand (C>T on the coding strand, the complement: SBF1 is on the minus strand). VCF-style: chr22-50460046-G-A. GRCh37 (hg19) VCF-style: chr22-50898475-G-A.
Other names: c.3400C>T, p.Leu1134Phe (NM_001365819.1); short protein forms L1133F, L1134F.
Identifiers: ClinVar variation 1505503 (VCV001505503.8), dbSNP rs753172401, ClinGen allele CA10316731.

ClinVar aggregate classification (germline): Uncertain significance (1 of 4 stars; one submission).

Allele frequency attached by ClinVar (database versions not stated): gnomAD exomes below 0.00001.
gnomAD v4.1: 4 of 1,613,890 alleles (0.00025%); highest among the groups gnomAD compares: Non-Finnish European, 0.00034%; no homozygotes.

Submission:

Labcorp Genetics (formerly Invitae), Labcorp
Classification: Uncertain significance. Last evaluated: 2021-05-30. Review status: criteria provided, single submitter. Criteria: Invitae Variant Classification Sherloc (09022015). Collection method: clinical testing. Allele origin: germline.
Comment: Algorithms developed to predict the effect of missense changes on protein structure and function do not agree on the potential impact of this missense change (SIFT: "Deleterious"; PolyPhen-2: "Possibly Damaging"; Align-GVGD: "Class C0"). This variant has not been reported in the literature in individuals with SBF1-related disease. This variant is present in population databases (rs753172401, ExAC 0.002%). This sequence change replaces leucine with phenylalanine at codon 1133 of the SBF1 protein (p.Leu1133Phe). The leucine residue is moderately conserved and there is a small physicochemical difference between leucine and phenylalanine. In summary, the available evidence is currently insufficient to determine the role of this variant in disease. Therefore, it has been classified as a Variant of Uncertain Significance.